The following is an entry in ClinVar:

NM_000494.4(COL17A1):c.4460G>A (p.Arg1487Gln)

Gene: COL17A1 (collagen type XVII alpha 1 chain; minus strand). Cytogenetic location: 10q25.1.
Variant type: single nucleotide variant.
Coding change: c.4460G>A on transcript NM_000494.4 (MANE Select); coding-DNA position 4460, G replaced by A.
Protein change: p.Arg1487Gln; replaces arginine 1487 with glutamine.
Molecular consequence: missense variant.
Genome position (GRCh38, 1-based): chr10:104,032,269, C>T on the plus strand (G>A on the coding strand, the complement: COL17A1 is on the minus strand). VCF-style: chr10-104032269-C-T. GRCh37 (hg19) VCF-style: chr10-105792027-C-T.
Other names: short protein forms R1487Q.
Identifiers: ClinVar variation 2155172 (VCV002155172.2), dbSNP rs148509618, ClinGen allele CA5677564.

ClinVar aggregate classification (germline): Uncertain significance (1 of 4 stars; one submission).

Allele frequency attached by ClinVar (database versions not stated): ExAC 0.00002; gnomAD exomes 0.00003; ESP Exome Variant Server 0.00008; gnomAD 0.00011; TOPMed 0.00011; 1000 Genomes Project 30x 0.00031; 1000 Genomes Project 0.00040.
gnomAD v4.1: 74 of 1,614,004 alleles (0.0046%); highest among the groups gnomAD compares: African/African-American, 0.043%; no homozygotes.

Submission:

Labcorp Genetics (formerly Invitae), Labcorp
Classification: Uncertain significance. Last evaluated: 2025-08-19. Review status: criteria provided, single submitter. Criteria: Invitae Variant Classification Sherloc (09022015). Collection method: clinical testing. Allele origin: germline.
Comment: This sequence change replaces arginine, which is basic and polar, with glutamine, which is neutral and polar, at codon 1487 of the COL17A1 protein (p.Arg1487Gln). This variant is present in population databases (rs148509618, gnomAD 0.03%). This variant has not been reported in the literature in individuals affected with COL17A1-related conditions. ClinVar contains an entry for this variant (Variation ID: 2155172). Experimental studies and prediction algorithms are not available or were not evaluated, and the functional significance of this variant is currently unknown. Algorithms developed to predict the effect of sequence changes on RNA splicing suggest that this variant may disrupt the consensus splice site. In summary, the available evidence is currently insufficient to determine the role of this variant in disease. Therefore, it has been classified as a Variant of Uncertain Significance.